The following is an entry in ClinVar:

NM_000368.5(TSC1):c.2112T>G (p.Tyr704Ter)

Gene: TSC1 (TSC complex subunit 1; minus strand). Cytogenetic location: 9q34.13.
Variant type: single nucleotide variant.
Coding change: c.2112T>G on transcript NM_000368.5 (MANE Select); coding-DNA position 2112, T replaced by G.
Protein change: p.Tyr704Ter; replaces tyrosine 704 with a stop codon.
Molecular consequence: nonsense.
Genome position (GRCh38, 1-based): chr9:132,903,747, A>C on the plus strand (T>G on the coding strand, the complement: TSC1 is on the minus strand). VCF-style: chr9-132903747-A-C. GRCh37 (hg19) VCF-style: chr9-135779134-A-C.
Other names: c.2109T>G, p.Tyr703Ter (NM_001162426.2); c.1959T>G, p.Tyr653Ter (NM_001162427.2); c.1749T>G, p.Tyr583Ter (NM_001362177.2); short protein forms Y703*, Y583*, Y704*, Y653*.
Identifiers: ClinVar variation 961976 (VCV000961976.9), dbSNP rs118203646, ClinGen allele CA375361028.

ClinVar aggregate classification (germline): Pathogenic (1 of 4 stars; one submission).

Conditions:
Tuberous sclerosis 1 (TSC1). Identifiers: Orphanet 805, MedGen C1854465, MONDO:0008612, OMIM 191100.

Submission:

Labcorp Genetics (formerly Invitae), Labcorp
Classification: Pathogenic for Tuberous sclerosis 1. Last evaluated: 2019-09-20. Review status: criteria provided, single submitter. Criteria: Invitae Variant Classification Sherloc (09022015). Collection method: clinical testing. Allele origin: germline.
Comment: For these reasons, this variant has been classified as Pathogenic. Loss-of-function variants in TSC1 are known to be pathogenic (PMID: 10227394, 17304050). A different variant (c.2111_2112del) giving rise to the same protein effect observed here (p.Tyr704*) has been determined to be pathogenic (PMID: 9242607, 15595939, 26540169). This suggests that this variant is also likely to be causative of disease. This variant has not been reported in the literature in individuals with TSC1-related conditions. This variant is not present in population databases (ExAC no frequency). This sequence change creates a premature translational stop signal (p.Tyr704*) in the TSC1 gene. It is expected to result in an absent or disrupted protein product.

Literature cited by the submitters: PubMed 10227394; PubMed 17304050; PubMed 9242607; PubMed 15595939; PubMed 26540169.